The following is an entry in ClinVar:

NM_144687.4(NLRP12):c.700T>G (p.Trp234Gly)

Gene: NLRP12 (NLR family pyrin domain containing 12; minus strand). Cytogenetic location: 19q13.42.
Variant type: single nucleotide variant.
Coding change: c.700T>G on transcript NM_144687.4 (MANE Select); coding-DNA position 700, T replaced by G.
Protein change: p.Trp234Gly; replaces tryptophan 234 with glycine.
Molecular consequence: missense variant.
Genome position (GRCh38, 1-based): chr19:53,810,959, A>C on the plus strand (T>G on the coding strand, the complement: NLRP12 is on the minus strand). VCF-style: chr19-53810959-A-C. GRCh37 (hg19) VCF-style: chr19-54314213-A-C.
Other names: c.700T>G, p.Trp234Gly (NM_001277126.2, NM_001277129.1); short protein forms W234G.
Identifiers: ClinVar variation 1920896 (VCV001920896.5), dbSNP rs368152701, ClinGen allele CA9639630.

ClinVar aggregate classification (germline): Uncertain significance (1 of 4 stars; one submission).

Conditions:
Familial cold autoinflammatory syndrome 2 (FCAS2). Identifiers: Orphanet 247868, MedGen C2673198, MONDO:0012724, OMIM 611762.

Allele frequency attached by ClinVar (database versions not stated): TOPMed 0.00001; ESP Exome Variant Server 0.00008.
gnomAD v4.1: 13 of 1,614,060 alleles (0.00081%); highest among the groups gnomAD compares: Admixed American, 0.0017%; no homozygotes.

Submission:

Labcorp Genetics (formerly Invitae), Labcorp
Classification: Uncertain significance for Familial cold autoinflammatory syndrome 2. Last evaluated: 2022-06-11. Review status: criteria provided, single submitter. Criteria: Invitae Variant Classification Sherloc (09022015). Collection method: clinical testing. Allele origin: germline.
Comment: In summary, the available evidence is currently insufficient to determine the role of this variant in disease. Therefore, it has been classified as a Variant of Uncertain Significance. Algorithms developed to predict the effect of missense changes on protein structure and function (SIFT, PolyPhen-2, Align-GVGD) all suggest that this variant is likely to be disruptive. This variant has not been reported in the literature in individuals affected with NLRP12-related conditions. This variant is present in population databases (rs368152701, gnomAD 0.003%). This sequence change replaces tryptophan, which is neutral and slightly polar, with glycine, which is neutral and non-polar, at codon 234 of the NLRP12 protein (p.Trp234Gly).